The following is an entry in ClinVar:

NM_000187.4(HGD):c.1009A>G (p.Asn337Asp)

Gene: HGD (homogentisate 1,2-dioxygenase; minus strand). Cytogenetic location: 3q13.33.
Variant type: single nucleotide variant.
Coding change: c.1009A>G on transcript NM_000187.4 (MANE Select); coding-DNA position 1009, A replaced by G.
Protein change: p.Asn337Asp; replaces asparagine 337 with aspartic acid.
Molecular consequence: missense variant.
Genome position (GRCh38, 1-based): chr3:120,633,326, T>C on the plus strand (A>G on the coding strand, the complement: HGD is on the minus strand). VCF-style: chr3-120633326-T-C. GRCh37 (hg19) VCF-style: chr3-120352173-T-C.
Other names: short protein forms N337D.
Identifiers: ClinVar variation 2627694 (VCV002627694.1), dbSNP rs2472652730, ClinGen allele CA354073039.

ClinVar aggregate classification (germline): Pathogenic (0 of 4 stars; one submission).

Conditions:
Alkaptonuria (AKU). Also called: Alkaptonuric ochronosis; Homogentisic acidura; Alcaptonuria; HOMOGENTISIC ACID OXIDASE DEFICIENCY. Identifiers: Orphanet 56, MedGen C0002066, MONDO:0008753, OMIM 203500.

Allele frequency attached by ClinVar (database versions not stated): gnomAD exomes 0.00001.
gnomAD v4.1: 8 of 1,614,160 alleles (0.0005%); highest among the groups gnomAD compares: Non-Finnish European, 0.00068%; no homozygotes.

Submission:

Department Of Human Genetics, Institute Of Clinical And Translational Research, Biomedical Research Center, Slovak Academy Of Sciences
Classification: Pathogenic for Alkaptonuria. Review status: no assertion criteria provided. Collection method: research. Allele origin: germline. Inheritance: Autosomal recessive inheritance. Affected: yes. Observed: 2 variant alleles.
Comment: The variant was originally described in AKU patients in PMID: 25681086. It has been submitted to the HGD gene mutation database (DB-ID: AKU_00AKU_00173).

Literature cited by the submitters: PubMed 25681086.